The following is an entry in ClinVar:

NM_000273.3(GPR143):c.824A>G (p.Asp275Gly)

Gene: GPR143 (G protein-coupled receptor 143; minus strand). Cytogenetic location: Xp22.2.
Variant type: single nucleotide variant.
Coding change: c.824A>G on transcript NM_000273.3 (MANE Select); coding-DNA position 824, A replaced by G.
Protein change: p.Asp275Gly; replaces aspartic acid 275 with glycine.
Molecular consequence: missense variant.
Genome position (GRCh38, 1-based): chrX:9,741,399, T>C on the plus strand (A>G on the coding strand, the complement: GPR143 is on the minus strand). VCF-style: chrX-9741399-T-C. GRCh37 (hg19) VCF-style: chrX-9709439-T-C.
Other names: c.824A>G (NM_000273.2); short protein forms D275G.
Identifiers: ClinVar variation 2190853 (VCV002190853.6), dbSNP rs374879794, ClinGen allele CA10344929.

ClinVar aggregate classification (germline): Uncertain significance. Review status: criteria provided, multiple submitters, no conflicts (2 of 4 stars). 2 submissions from 2 submitters: Uncertain significance (2). Last evaluated 2024-10-29.

Conditions:
Inborn genetic diseases. Identifiers: MedGen C0950123, MeSH D030342.

Allele frequency attached by ClinVar (database versions not stated): gnomAD exomes below 0.00001; ExAC 0.00003; gnomAD 0.00007; TOPMed 0.00007; ESP Exome Variant Server 0.00009.
gnomAD v4.1: 11 of 1,165,642 alleles (0.00094%); highest among the groups gnomAD compares: African/African-American, 0.014%; no homozygotes.

Submissions (3):

Ambry Genetics
Classification: Uncertain significance for Inborn genetic diseases. Last evaluated: 2024-10-29. Review status: criteria provided, single submitter. Criteria: Ambry Variant Classification Scheme 2023. Collection method: clinical testing. Allele origin: germline.

Labcorp Genetics (formerly Invitae), Labcorp
Classification: Uncertain significance. Last evaluated: 2023-12-31. Review status: criteria provided, single submitter. Criteria: Invitae Variant Classification Sherloc (09022015). Collection method: clinical testing. Allele origin: germline.
Comment: This sequence change replaces aspartic acid, which is acidic and polar, with glycine, which is neutral and non-polar, at codon 275 of the GPR143 protein (p.Asp275Gly). This variant is present in population databases (rs374879794, gnomAD 0.03%). This variant has not been reported in the literature in individuals affected with GPR143-related conditions. ClinVar contains an entry for this variant (Variation ID: 2190853). Advanced modeling of protein sequence and biophysical properties (such as structural, functional, and spatial information, amino acid conservation, physicochemical variation, residue mobility, and thermodynamic stability) has been performed at Invitae for this missense variant, however the output from this modeling did not meet the statistical confidence thresholds required to predict the impact of this variant on GPR143 protein function. In summary, the available evidence is currently insufficient to determine the role of this variant in disease. Therefore, it has been classified as a Variant of Uncertain Significance.

Dr. Peter K. Rogan Lab, Western University
No classification provided (evidence only). Condition: Nonpapillary renal cell carcinoma. Review status: no classification provided. Collection method: in vitro. Allele origin: not applicable. Functional consequence: retained intron. Not counted in ClinVar's aggregate classification.